The following is an entry in ClinVar:

NC_000002.11:g.(?_29119585)_(30143525_?)dup

Genes: ALK (ALK receptor tyrosine kinase; minus strand), CLIP4 (CAP-Gly domain containing linker protein family member 4; plus strand), PCARE (photoreceptor cilium actin regulator; minus strand), TOGARAM2 (TOG array regulator of axonemal microtubules 2; plus strand), WDR43 (WD repeat domain 43; plus strand). Cytogenetic location: 2p23.2-23.1.
Variant type: Duplication.
Identifiers: ClinVar variation 1054326 (VCV001054326.1).

ClinVar aggregate classification (germline): Uncertain significance (1 of 4 stars; one submission).

Conditions:
Neuroblastoma, susceptibility to, 3. Also called: ALK-Related Neuroblastic Tumor Susceptibility. Identifiers: Orphanet 635, MedGen C2751681, MONDO:0013083, OMIM 613014.

Submission:

Labcorp Genetics (formerly Invitae), Labcorp
Classification: Uncertain significance for Neuroblastoma, susceptibility to, 3. Last evaluated: 2020-09-20. Review status: criteria provided, single submitter. Criteria: Invitae Variant Classification Sherloc (09022015). Collection method: clinical testing. Allele origin: germline.
Comment: This variant results in a copy number gain of the genomic region encompassing the full coding sequence of the ALK gene. The boundaries of this event are unknown as they extend beyond the assayed region for this gene and therefore may encompass additional genes. As the precise location of this event is unknown, it may be in tandem or it may be located elsewhere in the genome. This variant has not been reported in the literature in individuals with ALK-related conditions. Experimental studies and prediction algorithms are not available or were not evaluated, and the functional significance of this variant is currently unknown. In summary, the available evidence is currently insufficient to determine the role of this variant in disease. Therefore, it has been classified as a Variant of Uncertain Significance.